The following is an entry in ClinVar:

ClinVar aggregate classification (germline): Uncertain significance (1 of 4 stars; one submission).

Submission:

Dasa
Classification: Uncertain significance. Last evaluated: 2024-11-22. Review status: criteria provided, single submitter. Criteria: DASA Assertion Criteria. Collection method: clinical testing. Allele origin: germline.
Comment: NM_013447.4(ADGRE2):c.736C>G (p.Pro246Ala) is a missense variant that results in the substitution of proline with alanine. This variant is rare in population databases. Computational prediction algorithms are consistent with a benign effect. The currently available literature and clinical evidence are not sufficient to establish a definitive association between this variant and the reported condition. Therefore, this variant is classified as a variant of uncertain significance.

NM_013447.4(ADGRE2):c.736C>G (p.Pro246Ala)

Gene: ADGRE2 (adhesion G protein-coupled receptor E2; minus strand). Cytogenetic location: 19p13.12.
Variant type: single nucleotide variant.
Coding change: c.736C>G on transcript NM_013447.4 (MANE Select); coding-DNA position 736, C replaced by G.
Protein change: p.Pro246Ala; replaces proline 246 with alanine.
Molecular consequence: missense variant.
Genome position (GRCh38, 1-based): chr19:14,765,703, G>C on the plus strand (C>G on the coding strand, the complement: ADGRE2 is on the minus strand). VCF-style: chr19-14765703-G-C. GRCh37 (hg19) VCF-style: chr19-14876515-G-C.
Other names: c.736C>G, p.Pro246Ala (NM_001271052.1); c.589C>G, p.Pro197Ala (NM_152916.2); c.457C>G, p.Pro153Ala (NM_152917.2); short protein forms P153A, P197A, P246A.
Identifiers: ClinVar variation 4883566 (VCV004883566.2).